The following is an entry in ClinVar:

NM_030667.3(PTPRO):c.5G>A (p.Gly2Glu)

Gene: PTPRO (protein tyrosine phosphatase receptor type O; plus strand). Cytogenetic location: 12p12.3.
Variant type: single nucleotide variant.
Coding change: c.5G>A on transcript NM_030667.3 (MANE Select); coding-DNA position 5, G replaced by A.
Protein change: p.Gly2Glu; replaces glycine 2 with glutamic acid.
Molecular consequence: missense variant.
Genome position (GRCh38, 1-based): chr12:15,322,731, G>A. VCF-style: chr12-15322731-G-A. GRCh37 (hg19) VCF-style: chr12-15475665-G-A.
Other names: p.Gly2Glu; c.5G>A, p.Gly2Glu (NM_002848.4); short protein forms G2E.
Identifiers: ClinVar variation 3380095 (VCV003380095.1).

ClinVar aggregate classification (germline): Uncertain significance (1 of 4 stars; one submission).

Submission:

Mayo Clinic Laboratories, Mayo Clinic
Classification: Uncertain significance. Last evaluated: 2023-08-14. Review status: criteria provided, single submitter. Criteria: ACMG Guidelines, 2015. Collection method: clinical testing. Allele origin: germline. Observed: 1 variant allele.
Comment: BP4, PM2